The following is an entry in ClinVar:

ClinVar aggregate classification (germline): Pathogenic. Review status: criteria provided, multiple submitters, no conflicts (2 of 4 stars). 6 submissions from 6 submitters: Pathogenic (5). 1 of the submissions does not count toward it. Last evaluated 2025-09-13.

Conditions:
Primary ciliary dyskinesia 3. Identifiers: Orphanet 244, MedGen C1837618, MONDO:0012085, OMIM 608644.
Heterotaxy. Also called: Situs ambiguus; Laterality sequence. Identifiers: Orphanet 157769, MedGen C0266642, HP:0030853.
Primary ciliary dyskinesia. Also called: Ciliary dyskinesia. Identifiers: Orphanet 244, MedGen C0008780, MONDO:0016575, HP:0012265.

Allele frequency attached by ClinVar (database versions not stated): gnomAD 0.00001; gnomAD exomes 0.00001; TOPMed below 0.00001; ExAC 0.00002.
gnomAD v4.1: 21 of 1,613,722 alleles (0.0013%); highest among the groups gnomAD compares: Non-Finnish European, 0.0015%; no homozygotes.

Submissions (6):

Labcorp Genetics (formerly Invitae), Labcorp
Classification: Pathogenic for Primary ciliary dyskinesia. Last evaluated: 2025-09-13. Review status: criteria provided, single submitter. Criteria: Invitae Variant Classification Sherloc (09022015). Collection method: clinical testing. Allele origin: germline.
Comment: This sequence change creates a premature translational stop signal (p.Arg2677*) in the DNAH5 gene. It is expected to result in an absent or disrupted protein product. Loss-of-function variants in DNAH5 are known to be pathogenic (PMID: 11788826, 16627867). This variant is present in population databases (rs775946081, gnomAD 0.01%). This premature translational stop signal has been observed in individual(s) with primary ciliary dyskinesia (PMID: 16627867, 19357118, 26228299). In at least one individual the data is consistent with being in trans (on the opposite chromosome) from a pathogenic variant. ClinVar contains an entry for this variant (Variation ID: 238987). For these reasons, this variant has been classified as Pathogenic.

Natera, Inc.
Classification: Pathogenic for Primary ciliary dyskinesia. Last evaluated: 2025-09-05. Review status: criteria provided, single submitter. Criteria: Natera Variant Classification Schema (03/2026). Collection method: clinical testing. Allele origin: germline.
Comment: The c.8029C>T variant in DNAH5 is a nonsense variant predicted to introduce a stop codon at amino acid 2677. This variant is expected to result in nonsense mediated decay, truncation, or a dysfunctional protein product. This variant is rare in the general population with a frequency below the threshold expected for the associated phenotype(s). This variant has been observed in one or more individuals affected with the associated recessive disease, as either homozygous or compound heterozygous with a second variant (PMID: 16627867, 19357118). Given the available evidence, this variant is classified as Pathogenic.

Myriad Genetics, Inc.
Classification: Pathogenic for Primary ciliary dyskinesia 3. Last evaluated: 2024-05-14. Review status: criteria provided, single submitter. Criteria: Myriad Autosomal Dominant, Autosomal Recessive and X-Linked Classification Criteria (2023). Collection method: clinical testing. Allele origin: unknown.
Comment: NM_001369.2(DNAH5):c.8029C>T(R2677*) is expected to be pathogenic in the context of primary ciliary dyskinesia, DNAH5-related. This variant is predicted to lead to an abnormal or absent protein product due to the creation of a premature termination codon in DNAH5, a gene where loss-of-function variants are known to be pathogenic. Please note: this variant was assessed in the context of healthy population screening.

GeneDx
Classification: Pathogenic. Last evaluated: 2024-03-11. Review status: criteria provided, single submitter. Criteria: GeneDx Variant Classification Process June 2021. Collection method: clinical testing. Allele origin: germline. Affected: yes.
Comment: Nonsense variant predicted to result in protein truncation or nonsense mediated decay in a gene for which loss of function is a known mechanism of disease; This variant is associated with the following publications: (PMID: 25525159, 35314707, 26228299, 25186273, 27779714, 30290127, 32622824, 34215651, 19357118, 33577779, 16627867)

Ambry Genetics
Classification: Pathogenic for Primary ciliary dyskinesia. Last evaluated: 2022-01-28. Review status: criteria provided, single submitter. Criteria: Ambry Variant Classification Scheme 2023. Collection method: clinical testing. Allele origin: germline.
Comment: The p.R2677* pathogenic mutation (also known as c.8029C>T), located in coding exon 49 of the DNAH5 gene, results from a C to T substitution at nucleotide position 8029. This changes the amino acid from an arginine to a stop codon within coding exon 49. This mutation has been detected in multiple individuals with primary ciliary dyskinesia (PCD) with dynein arm defects and in conjunction with another DNAH5 alteration (Hornef N et al. Am. J. Respir. Crit. Care Med., 2006 Jul;174:120-6; Failly M et al. J. Med. Genet., 2009 Apr;46:281-6; Raidt J et al. Eur. Respir. J., 2014 Dec;44:1579-88; Djakow J et al. Pediatr. Pulmonol., 2016 May;51:498-509; Nyilas S et al. Ann Am Thorac Soc, 2018 Dec;15:1434-1442). In addition to the clinical data presented in the literature, this alteration is expected to result in loss of function by premature protein truncation or nonsense-mediated mRNA decay. As such, this alteration is interpreted as a disease-causing mutation.

Pediatric Genetics Clinic, Sheba Medical Center
Classification: Pathogenic for Heterotaxy. Last evaluated: 2021-04-24. Review status: no assertion criteria provided. Collection method: research. Allele origin: inherited. Affected: yes. Observed: 1 variant allele. Not counted in ClinVar's aggregate classification.

Literature cited by the submitters: PubMed 11788826 (cited by Labcorp Genetics (formerly Invitae), Labcorp); PubMed 16627867 (cited by 3 submitters); PubMed 19357118 (cited by 3 submitters); PubMed 26228299 (cited by Labcorp Genetics (formerly Invitae), Labcorp and Ambry Genetics); PubMed 25186273 (cited by Ambry Genetics); PubMed 30290127 (cited by Ambry Genetics).

NM_001369.3(DNAH5):c.8029C>T (p.Arg2677Ter)

Gene: DNAH5 (dynein axonemal heavy chain 5; minus strand). Cytogenetic location: 5p15.2.
Variant type: single nucleotide variant.
Coding change: c.8029C>T on transcript NM_001369.3 (MANE Select); coding-DNA position 8029, C replaced by T.
Protein change: p.Arg2677Ter; replaces arginine 2677 with a stop codon.
Molecular consequence: nonsense.
Genome position (GRCh38, 1-based): chr5:13,793,710, G>A on the plus strand (C>T on the coding strand, the complement: DNAH5 is on the minus strand). VCF-style: chr5-13793710-G-A. GRCh37 (hg19) VCF-style: chr5-13793819-G-A.
Other names: short protein forms R2677*.
Identifiers: ClinVar variation 238987 (VCV000238987.18), dbSNP rs775946081, ClinGen allele CA3202915.